The following is an entry in ClinVar:

ClinVar aggregate classification (germline): Uncertain significance (1 of 4 stars; one submission).

Submission:

Ambry Genetics
Classification: Uncertain significance. Last evaluated: 2022-03-03. Review status: criteria provided, single submitter. Criteria: Ambry Variant Classification Scheme 2023. Collection method: clinical testing. Allele origin: germline.
Comment: The p.H1122Q variant (also known as c.3366T>A), located in coding exon 29 of the KIF1B gene, results from a T to A substitution at nucleotide position 3366. The histidine at codon 1122 is replaced by glutamine, an amino acid with highly similar properties. This amino acid position is conserved. In addition, the in silico prediction for this alteration is inconclusive. Since supporting evidence is limited at this time, the clinical significance of this alteration remains unclear.

NM_001365951.3(KIF1B):c.3504T>A (p.His1168Gln)

Gene: KIF1B (kinesin family member 1B; plus strand). Cytogenetic location: 1p36.22.
Variant type: single nucleotide variant.
Coding change: c.3504T>A on transcript NM_001365951.3 (MANE Select); coding-DNA position 3504, T replaced by A.
Protein change: p.His1168Gln; replaces histidine 1168 with glutamine.
Molecular consequence: missense variant.
Genome position (GRCh38, 1-based): chr1:10,339,850, T>A. VCF-style: chr1-10339850-T-A. GRCh37 (hg19) VCF-style: chr1-10399908-T-A.
Other names: c.3504T>A, p.His1168Gln (NM_001365952.1); c.3366T>A, p.His1122Gln (NM_015074.3); short protein forms H1168Q, H1122Q.
Identifiers: ClinVar variation 1730662 (VCV001730662.2), dbSNP rs2521738257, ClinGen allele CA338341219.